The following is an entry in ClinVar:

ClinVar aggregate classification (germline): Uncertain significance (1 of 4 stars; one submission).

Submission:

Laboratorio de Genetica e Diagnostico Molecular, Hospital Israelita Albert Einstein
Classification: Uncertain significance. Last evaluated: 2021-10-14. Review status: criteria provided, single submitter. Criteria: ACMG Guidelines, 2015. Collection method: clinical testing. Allele origin: germline. Affected: yes.
Comment: ACMG classification criteria: PM2, BP4

NM_002430.3(MN1):c.307G>A (p.Gly103Arg)

Gene: MN1 (MN1 proto-oncogene, transcriptional regulator; minus strand). Cytogenetic location: 22q12.1.
Variant type: single nucleotide variant.
Coding change: c.307G>A on transcript NM_002430.3 (MANE Select); coding-DNA position 307, G replaced by A.
Protein change: p.Gly103Arg; replaces glycine 103 with arginine.
Molecular consequence: missense variant.
Genome position (GRCh38, 1-based): chr22:27,800,237, C>T on the plus strand (G>A on the coding strand, the complement: MN1 is on the minus strand). VCF-style: chr22-27800237-C-T. GRCh37 (hg19) VCF-style: chr22-28196225-C-T.
Other names: short protein forms G103R.
Identifiers: ClinVar variation 1690457 (VCV001690457.2), dbSNP rs558501460, ClinGen allele CA411051578.